The following is an entry in ClinVar:

ClinVar aggregate classification (germline): Conflicting classifications of pathogenicity. Review status: criteria provided, conflicting classifications (1 of 4 stars). 9 submissions from 9 submitters: Uncertain significance (7); Likely benign (1). 1 of the submissions does not count toward it. Last evaluated 2026-10-23.

Conditions:
USH2A-related disorder. Also called: USH2A-related disorders; USH2A-related condition. Identifiers: MedGen CN239332.
Retinal dystrophy. Also called: Inherited retinal dystrophy. Identifiers: Orphanet 71862, MedGen C0854723, MeSH D058499, MONDO:0019118, HP:0000556.
Usher syndrome type 2A. Also called: RETINAL DISEASE IN USHER SYNDROME TYPE IIA, MODIFIER OF; USHER SYNDROME, TYPE IIA. Identifiers: Orphanet 231178, Orphanet 886, MedGen C1848634, MONDO:0010169, OMIM 276901.
Retinitis pigmentosa 39 (RP39). Identifiers: Orphanet 791, MedGen C3151138, MONDO:0013436, OMIM 613809.

Allele frequency attached by ClinVar (database versions not stated): ExAC 0.00019; 1000 Genomes Project 0.00020; ESP Exome Variant Server 0.00023; gnomAD 0.00030 and 0.00029; 1000 Genomes Project 30x 0.00016; gnomAD exomes 0.00025; TOPMed 0.00030.
gnomAD v4.1: 858 of 1,613,996 alleles (0.053%); highest among the groups gnomAD compares: Non-Finnish European, 0.069%; 2 homozygotes.

Submissions (9):

GeneDx
Classification: Uncertain significance. Last evaluated: 2026-10-23. Review status: criteria provided, single submitter. Criteria: GeneDx Variant Classification Process June 2021. Collection method: clinical testing. Allele origin: germline.
Comment: Identified in a patient with Usher syndrome in the published literature who also harbored another USH2A variant, although parental studies were not performed to determine the phase of these two variants (PMID: 27460420); In silico analysis suggests that this missense variant does not alter protein structure/function; This variant is associated with the following publications: (PMID: 23591405, 27460420, 34426522, 32141364, 42746463)

PreventionGenetics, part of Exact Sciences
Classification: Uncertain significance for USH2A-related condition. Last evaluated: 2026-05-18. Review status: criteria provided, single submitter. Criteria: ACMG Guidelines, 2015. Collection method: clinical testing. Allele origin: germline.
Comment: The USH2A c.15364T>C variant is predicted to result in the amino acid substitution p.Cys5122Arg. This variant was reported in a large cohort of individuals with Usher syndrome (supplementary data, Bonnet et al. 2016. PubMed ID: 27460420). This variant was also identified in a large cohort of individuals with retinal disease, but the patient harbored likely causative variants in RDH12 (Glockle et al. 2014. PubMed ID: 23591405). This variant is reported in 0.049% of alleles in individuals of European (Non-Finnish) descent in gnomAD. At this time, the clinical significance of this variant is uncertain due to the absence of conclusive functional and genetic evidence.

Labcorp Genetics (formerly Invitae), Labcorp
Classification: Likely benign. Last evaluated: 2026-01-25. Review status: criteria provided, single submitter. Criteria: Invitae Variant Classification Sherloc (09022015). Collection method: clinical testing. Allele origin: germline.

Blueprint Genetics
Classification: Uncertain significance. Last evaluated: 2024-11-07. Review status: criteria provided, single submitter. Criteria: ACMG Guidelines, 2015. Collection method: clinical testing. Allele origin: germline.

Fulgent Genetics
Classification: Uncertain significance for Usher syndrome type 2A; Retinitis pigmentosa 39. Last evaluated: 2022-05-12. Review status: criteria provided, single submitter. Criteria: ACMG Guidelines, 2015. Collection method: clinical testing. Allele origin: unknown.

Laboratory for Molecular Medicine, Mass General Brigham Personalized Medicine
Classification: Uncertain significance. Last evaluated: 2022-03-30. Review status: criteria provided, single submitter. Criteria: ACMG Guidelines, 2015. Collection method: clinical testing. Allele origin: germline.
Comment: The p.Cys5122Arg variant in USH2A has been reported in one individual with hearing loss who also harbored a truncating variant in USH2A, though it was not clear whether these variants were confirmed in trans (Bonnet 2016). It has also been reported in two individuals who were found to have alternate explanations of their hearing loss or retinal dystrophy (Glockle 2013, LMM unpublished data). This variant has also been identified in 3 additional individuals with hearing loss by our laboratory; however, none of the individuals harbored a second variant on the remaining copy of USH2A. This variant has been identified in 0.047% (60/126682) of European chromosomes by the Exome Aggregation Consortium (ExAC; dbSNP rs111033402); however, its frequency is not high enough to rule out a pathogenic role. The cysteine (Cys) residue at position 5122 is not conserved in mammals or evolutionary distant species. Additional computational prediction tools do not provide strong support for or against an impact to the protein.In summary, while its frequency suggests it is more likley to be benign, the clinical significance of this variant is uncertain. ACMG/AMP Criteria applied: None.

Institute of Human Genetics, Univ. Regensburg, Univ. Regensburg
Classification: Uncertain significance for Retinal dystrophy. Last evaluated: 2022-01-01. Review status: criteria provided, single submitter. Criteria: ACMG Guidelines, 2015. Collection method: clinical testing. Allele origin: germline. Affected: yes.

Myriad Genetics, Inc.
Classification: Uncertain significance for Usher syndrome type 2A. Last evaluated: 2021-10-27. Review status: criteria provided, single submitter. Criteria: Myriad Women's Health Autosomal Recessive and X-Linked Classification Criteria (2021). Collection method: clinical testing. Allele origin: unknown.
Comment: NM_206933.2(USH2A):c.15364T>C(C5122R) is a missense variant classified as a variant of uncertain significance in the context of USH2A-related disorders. C5122R has been observed in cases with relevant disease (PMID: 27460420, 23591405). Functional studies of this variant are not available in the literature. C5122R has been observed in population frequency databases (gnomAD NFE 0.05%). In summary, there is insufficient evidence to classify NM_206933.2(USH2A):c.15364T>C(C5122R) as pathogenic or benign. Please note: this variant was assessed in the context of healthy population screening.

Natera, Inc.
Classification: Uncertain significance for Usher syndrome type 2A. Last evaluated: 2020-02-13. Review status: no assertion criteria provided. Collection method: clinical testing. Allele origin: germline. Not counted in ClinVar's aggregate classification.

Literature cited by the submitters: PubMed 23591405 (cited by Laboratory for Molecular Medicine, Mass General Brigham Personalized Medicine and Myriad Genetics, Inc.); PubMed 27460420 (cited by 3 submitters); PubMed 3442652 (cited by Institute of Human Genetics, Univ. Regensburg, Univ. Regensburg).

NM_206933.4(USH2A):c.15364T>C (p.Cys5122Arg)

Gene: USH2A (usherin; minus strand). Cytogenetic location: 1q41.
Variant type: single nucleotide variant.
Coding change: c.15364T>C on transcript NM_206933.4 (MANE Select); coding-DNA position 15364, T replaced by C.
Protein change: p.Cys5122Arg; replaces cysteine 5122 with arginine.
Molecular consequence: missense variant.
Genome position (GRCh38, 1-based): chr1:215,628,969, A>G on the plus strand (T>C on the coding strand, the complement: USH2A is on the minus strand). VCF-style: chr1-215628969-A-G. GRCh37 (hg19) VCF-style: chr1-215802311-A-G.
Other names: short protein forms C5122R.
Identifiers: ClinVar variation 48461 (VCV000048461.27), dbSNP rs111033402, ClinGen allele CA143395.
Genomic context (GRCh38, chr1:215,628,969, plus strand): 5'-GAAGAGAACCCTGGGAGTAGGTTAGGCTGGTTTGGTTTTGACTCGGGATGCGCAGGACAC[A>G]TGCACTCCGGTTGCTGCGGATACTCACAGGTGTCCCAGACCGGGGAATTTTGGTATCGGC-3'
Protein context (NP_996816.3, residues 5112-5132): PVSIRSNRSA[Cys5122Arg]VLRIPSQNQT